The following is an entry in ClinVar:

NM_001848.3(COL6A1):c.*379C>A

Gene: COL6A1 (collagen type VI alpha 1 chain; plus strand). Cytogenetic location: 21q22.3.
Variant type: single nucleotide variant.
Coding change: c.*379C>A on transcript NM_001848.3 (MANE Select); 379 bases downstream of the stop codon, C replaced by A.
Molecular consequence: 3 prime UTR variant.
Genome position (GRCh38, 1-based): chr21:46,004,392, C>A. VCF-style: chr21-46004392-C-A. GRCh37 (hg19) VCF-style: chr21-47424306-C-A.
Identifiers: ClinVar variation 340341 (VCV000340341.6), dbSNP rs138073264, ClinGen allele CA10653702.

ClinVar aggregate classification (germline): Benign. Review status: criteria provided, multiple submitters, no conflicts (2 of 4 stars). 2 submissions from 2 submitters: Benign (2). Last evaluated 2018-01-13.

Conditions:
Collagen 6-related myopathy. Identifiers: MedGen CN117976, MONDO:0100225.

Allele frequency attached by ClinVar (database versions not stated): gnomAD 0.02542 and 0.02397; TOPMed 0.02871; 1000 Genomes Project 0.02895; 1000 Genomes Project 30x 0.03029; gnomAD exomes 0.00348.

Submissions (2):

Illumina Laboratory Services, Illumina
Classification: Benign for Collagen VI-related myopathy. Last evaluated: 2018-01-13. Review status: criteria provided, single submitter. Criteria: ICSL Variant Classification Criteria 13 December 2019. Collection method: clinical testing. Allele origin: germline.
Comment: This variant was observed in the ICSL laboratory as part of a predisposition screen in an ostensibly healthy population. It had not been previously curated by ICSL or reported in the Human Gene Mutation Database (HGMD: prior to June 1st, 2018), and was therefore a candidate for classification through an automated scoring system. Utilizing variant allele frequency, disease prevalence and penetrance estimates, and inheritance mode, an automated score was calculated to assess if this variant is too frequent to cause the disease. Based on the score and internal cut-off values, a variant classified as benign is not then subjected to further curation. The score for this variant resulted in a classification of benign for this disease.

Breakthrough Genomics
Classification: Benign. Review status: criteria provided, single submitter. Criteria: ACMG Guidelines, 2015. Collection method: not provided. Allele origin: germline. Inheritance: Autosomal recessive inheritance. Affected: yes.